The following is an entry in ClinVar:

NM_001367823.1(ARHGEF18):c.2452+4A>T

Gene: ARHGEF18 (Rho/Rac guanine nucleotide exchange factor 18; plus strand). Cytogenetic location: 19p13.2.
Variant type: single nucleotide variant.
Coding change: c.2452+4A>T on transcript NM_001367823.1 (MANE Select); 4 bases into the intron after coding-DNA position 2452, A replaced by T.
Molecular consequence: intron variant.
Genome position (GRCh38, 1-based): chr19:7,459,998, A>T. VCF-style: chr19-7459998-A-T. GRCh37 (hg19) VCF-style: chr19-7524884-A-T.
Other names: c.1414+4A>T (NM_001367824.1, NM_015318.4); c.1726+4A>T (NM_001130955.2).
Identifiers: ClinVar variation 1413931 (VCV001413931.4), dbSNP rs767804072, ClinGen allele CA9136841.
Genomic context (GRCh38, chr19:7,459,998, plus strand): 5'-CCGAAGAGGAAAGGAAGGTGGTCGAGGCCCGCGCCACGAGACTCCGGGACTTTCAAGGTG[A>T]GCGGGAGACAGCGTCTGGGCACACCCCTTGTGTGGTGAGCCCTGGGCCCTCCATCAGGAC-3'

ClinVar aggregate classification (germline): Uncertain significance (1 of 4 stars; one submission).

Allele frequency attached by ClinVar (database versions not stated): gnomAD 0.00002; gnomAD exomes 0.00002 and 0.00004.

Submission:

Labcorp Genetics (formerly Invitae), Labcorp
Classification: Uncertain significance. Last evaluated: 2021-04-02. Review status: criteria provided, single submitter. Criteria: Invitae Variant Classification Sherloc (09022015). Collection method: clinical testing. Allele origin: germline.
Comment: In summary, the available evidence is currently insufficient to determine the role of this variant in disease. Therefore, it has been classified as a Variant of Uncertain Significance. Nucleotide substitutions within the consensus splice site are a relatively common cause of aberrant splicing (PMID: 17576681, 9536098). Algorithms developed to predict the effect of sequence changes on RNA splicing suggest that this variant may disrupt the consensus splice site, but this prediction has not been confirmed by published transcriptional studies. This variant has not been reported in the literature in individuals with ARHGEF18-related conditions. The frequency data for this variant in the population databases is considered unreliable, as metrics indicate poor data quality at this position in the ExAC database. This sequence change falls in intron 10 of the ARHGEF18 gene. It does not directly change the encoded amino acid sequence of the ARHGEF18 protein. It affects a nucleotide within the consensus splice site of the intron.

Literature cited by the submitters: PubMed 17576681; PubMed 9536098.